The following is an entry in ClinVar:

NM_001046.3(SLC12A2):c.439G>A (p.Ala147Thr)

Gene: SLC12A2 (solute carrier family 12 member 2; plus strand). Cytogenetic location: 5q23.3.
Variant type: single nucleotide variant.
Coding change: c.439G>A on transcript NM_001046.3 (MANE Select); coding-DNA position 439, G replaced by A.
Protein change: p.Ala147Thr; replaces alanine 147 with threonine.
Molecular consequence: missense variant. On other transcripts: non-coding transcript variant (1).
Genome position (GRCh38, 1-based): chr5:128,084,393, G>A. VCF-style: chr5-128084393-G-A. GRCh37 (hg19) VCF-style: chr5-127420085-G-A.
Other names: c.439G>A, p.Ala147Thr (NM_001256461.2); c.439G>A (NM_001046.2); short protein forms A147T.
Identifiers: ClinVar variation 1907176 (VCV001907176.6), dbSNP rs140428806, ClinGen allele CA3392803.

ClinVar aggregate classification (germline): Uncertain significance. Review status: criteria provided, multiple submitters, no conflicts (2 of 4 stars). 2 submissions from 2 submitters: Uncertain significance (2). Last evaluated 2023-10-05.

Conditions:
Inborn genetic diseases. Identifiers: MedGen C0950123, MeSH D030342.

Allele frequency attached by ClinVar (database versions not stated): ExAC 0.00001; gnomAD 0.00004; TOPMed 0.00005; ESP Exome Variant Server 0.00008.
gnomAD v4.1: 17 of 1,609,312 alleles (0.0011%); highest among the groups gnomAD compares: Non-Finnish European, 0.0013%; no homozygotes.

Submissions (2):

Ambry Genetics
Classification: Uncertain significance for Inborn genetic diseases. Last evaluated: 2023-10-05. Review status: criteria provided, single submitter. Criteria: Ambry Variant Classification Scheme 2023. Collection method: clinical testing. Allele origin: germline.

Labcorp Genetics (formerly Invitae), Labcorp
Classification: Uncertain significance. Last evaluated: 2023-08-22. Review status: criteria provided, single submitter. Criteria: Invitae Variant Classification Sherloc (09022015). Collection method: clinical testing. Allele origin: germline.
Comment: The frequency data for this variant in the population databases is considered unreliable, as metrics indicate poor data quality at this position in the gnomAD database. In summary, the available evidence is currently insufficient to determine the role of this variant in disease. Therefore, it has been classified as a Variant of Uncertain Significance. Advanced modeling of protein sequence and biophysical properties (such as structural, functional, and spatial information, amino acid conservation, physicochemical variation, residue mobility, and thermodynamic stability) performed at Invitae indicates that this missense variant is not expected to disrupt SLC12A2 protein function. ClinVar contains an entry for this variant (Variation ID: 1907176). This variant has not been reported in the literature in individuals affected with SLC12A2-related conditions. This sequence change replaces alanine, which is neutral and non-polar, with threonine, which is neutral and polar, at codon 147 of the SLC12A2 protein (p.Ala147Thr).